The following is an entry in ClinVar:

NM_001486.4(GCKR):c.1143+4G>A

Gene: GCKR (glucokinase regulator; plus strand). Cytogenetic location: 2p23.3.
Variant type: single nucleotide variant.
Coding change: c.1143+4G>A on transcript NM_001486.4 (MANE Select); 4 bases into the intron after coding-DNA position 1143, G replaced by A.
Molecular consequence: intron variant.
Genome position (GRCh38, 1-based): chr2:27,507,315, G>A. VCF-style: chr2-27507315-G-A. GRCh37 (hg19) VCF-style: chr2-27730182-G-A.
Identifiers: ClinVar variation 4738083 (VCV004738083.1).

ClinVar aggregate classification (germline): Uncertain significance (1 of 4 stars; one submission).

gnomAD v4.1: 90 of 1,592,448 alleles (0.0057%); highest among the groups gnomAD compares: African/African-American, 0.1%; no homozygotes.

Submission:

Labcorp Genetics (formerly Invitae), Labcorp
Classification: Uncertain significance. Last evaluated: 2025-11-11. Review status: criteria provided, single submitter. Criteria: Invitae Variant Classification Sherloc (09022015). Collection method: clinical testing. Allele origin: germline.
Comment: This sequence change falls in intron 13 of the GCKR gene. It does not directly change the encoded amino acid sequence of the GCKR protein. It affects a nucleotide within the consensus splice site. This variant is present in population databases (rs202114889, gnomAD 0.1%), and has an allele count higher than expected for a pathogenic variant. This variant has been observed in individual(s) with clinical features of dyslipidemia (PMID: 36325899). Variants that disrupt the consensus splice site are a relatively common cause of aberrant splicing (PMID: 17576681, 9536098). Algorithms developed to predict the effect of sequence changes on RNA splicing suggest that this variant is not likely to affect RNA splicing. In summary, the available evidence is currently insufficient to determine the role of this variant in disease. Therefore, it has been classified as a Variant of Uncertain Significance.

Literature cited by the submitters: PubMed 36325899; PubMed 17576681; PubMed 9536098.